The following is an entry in ClinVar:

ClinVar aggregate classification (germline): Conflicting classifications of pathogenicity. Review status: criteria provided, conflicting classifications (1 of 4 stars). 4 submissions from 4 submitters: Uncertain significance (2); Likely benign (1). 1 of the submissions does not count toward it. Last evaluated 2024-06-10.

Conditions:
RAD50-related disorder. Also called: RAD50-related condition.
Hereditary cancer-predisposing syndrome. Also called: Hereditary Cancer Syndrome; Hereditary neoplastic syndrome; Neoplastic Syndromes, Hereditary; Tumor predisposition. Identifiers: Orphanet 140162, MedGen C0027672, MeSH D009386, MONDO:0015356.

Allele frequency attached by ClinVar (database versions not stated): ExAC 0.00001; gnomAD 0.00001; gnomAD exomes 0.00001 and below 0.00001; TOPMed 0.00002.
gnomAD v4.1: 21 of 1,613,754 alleles (0.0013%); highest among the groups gnomAD compares: Non-Finnish European, 0.0018%; no homozygotes.

Submissions (4):

Labcorp Genetics (formerly Invitae), Labcorp
Classification: Uncertain significance for Hereditary cancer-predisposing syndrome. Last evaluated: 2024-06-10. Review status: criteria provided, single submitter. Criteria: Invitae Variant Classification Sherloc (09022015). Collection method: clinical testing. Allele origin: germline.
Comment: This sequence change replaces glutamine, which is neutral and polar, with glutamic acid, which is acidic and polar, at codon 377 of the RAD50 protein (p.Gln377Glu). This variant is present in population databases (rs773142865, gnomAD 0.002%). This variant has not been reported in the literature in individuals affected with RAD50-related conditions. ClinVar contains an entry for this variant (Variation ID: 408349). Advanced modeling of protein sequence and biophysical properties (such as structural, functional, and spatial information, amino acid conservation, physicochemical variation, residue mobility, and thermodynamic stability) performed at Invitae indicates that this missense variant is not expected to disrupt RAD50 protein function with a negative predictive value of 80%. In summary, the available evidence is currently insufficient to determine the role of this variant in disease. Therefore, it has been classified as a Variant of Uncertain Significance.

Ambry Genetics
Classification: Likely benign for Hereditary cancer-predisposing syndrome. Last evaluated: 2024-03-28. Review status: criteria provided, single submitter. Criteria: Ambry Variant Classification Scheme 2023. Collection method: clinical testing. Allele origin: germline.

Breakthrough Genomics
Classification: Uncertain significance. Review status: criteria provided, single submitter. Criteria: ACMG Guidelines, 2015. Collection method: not provided. Allele origin: germline. Inheritance: Autosomal recessive inheritance. Affected: yes.

PreventionGenetics, part of Exact Sciences
Classification: Uncertain significance for RAD50-related condition. Last evaluated: 2024-03-18. Review status: no assertion criteria provided. Collection method: clinical testing. Allele origin: germline. Not counted in ClinVar's aggregate classification.
Comment: The RAD50 c.1129C>G variant is predicted to result in the amino acid substitution p.Gln377Glu. To our knowledge, this variant has not been reported in the literature. This variant is reported in 0.0016% of alleles in individuals of European (Non-Finnish) descent in gnomAD. At this time, the clinical significance of this variant is uncertain due to the absence of conclusive functional and genetic evidence.

NM_005732.4(RAD50):c.1129C>G (p.Gln377Glu)

Gene: RAD50 (RAD50 double strand break repair protein; plus strand). Cytogenetic location: 5q31.1.
Variant type: single nucleotide variant.
Coding change: c.1129C>G on transcript NM_005732.4 (MANE Select); coding-DNA position 1129, C replaced by G.
Protein change: p.Gln377Glu; replaces glutamine 377 with glutamic acid.
Molecular consequence: missense variant.
Genome position (GRCh38, 1-based): chr5:132,588,764, C>G. VCF-style: chr5-132588764-C-G. GRCh37 (hg19) VCF-style: chr5-131924456-C-G.
Other names: short protein forms Q377E.
Identifiers: ClinVar variation 408349 (VCV000408349.17), dbSNP rs773142865, ClinGen allele CA3405116.
Genomic context (GRCh38, chr5:132,588,764, plus strand): 5'-GCAGATCGCCATCAAGAACATATCCGAGCTAGAGATTCATTAATTCAGTCTTTGGCAACA[C>G]AGCTAGAATTGGATGGCTTTGAGCGTGGACCATTCAGTGAAAGACAGATTAAAAATTTTC-3'
Protein context (NP_005723.2, residues 367-387): RDSLIQSLAT[Gln377Glu]LELDGFERGP